The following is an entry in ClinVar:

ClinVar aggregate classification (germline): Conflicting classifications of pathogenicity. Review status: criteria provided, conflicting classifications (1 of 4 stars). 10 submissions from 10 submitters: Uncertain significance (6); Likely benign (4). Last evaluated 2026-06-16.

Conditions:
Dilated cardiomyopathy 1G (CMD1G). Identifiers: Orphanet 154, MedGen C1858763, MONDO:0011400, OMIM 604145.
Autosomal recessive limb-girdle muscular dystrophy type 2J (LGMDR10). Also called: Limb-girdle muscular dystrophy, type 2J; MUSCULAR DYSTROPHY, LIMB-GIRDLE, AUTOSOMAL RECESSIVE 10. Identifiers: Orphanet 140922, MedGen C1837342, MONDO:0012127, OMIM 608807.
TTN-related disorder. Also called: TTN-related condition; TTN-related disease; TTN-related disorders.
Cardiovascular phenotype. Identifiers: MedGen CN230736.
Tip-toe gait. Also called: Toe walking. Identifiers: MedGen C0427144, HP:0030051.

Allele frequency attached by ClinVar (database versions not stated): ESP Exome Variant Server 0.00008; TOPMed 0.00010; 1000 Genomes Project 30x 0.00016; gnomAD 0.00018 and 0.00019; 1000 Genomes Project 0.00020.
gnomAD v4.1: 386 of 1,613,846 alleles (0.024%); highest among the groups gnomAD compares: Non-Finnish European, 0.029%; no homozygotes.

Submissions (10):

PreventionGenetics, part of Exact Sciences
Classification: Likely benign for TTN-related condition. Last evaluated: 2026-06-16. Review status: criteria provided, single submitter. Criteria: ACMG Guidelines, 2015. Collection method: clinical testing. Allele origin: germline.
Comment: This variant is classified as likely benign based on ACMG/AMP sequence variant interpretation guidelines (Richards et al. 2015 PMID: 25741868, with internal and published modifications).

Molecular Diagnostic Laboratory for Inherited Cardiovascular Disease, Montreal Heart Institute
Classification: Likely benign. Last evaluated: 2025-04-09. Review status: criteria provided, single submitter. Criteria: ACMG Guidelines, 2015. Collection method: clinical testing. Allele origin: germline. Affected: no.

Blueprint Genetics
Classification: Likely benign. Last evaluated: 2024-10-11. Review status: criteria provided, single submitter. Criteria: ACMG Guidelines, 2015. Collection method: clinical testing. Allele origin: germline.

Revvity Omics, Revvity
Classification: Uncertain significance. Last evaluated: 2023-09-27. Review status: criteria provided, single submitter. Criteria: ACMG Guidelines, 2015. Collection method: clinical testing. Allele origin: germline.

Practice for Gait Abnormalities, David Pomarino, Competency Network Toe Walking C/o Practice Pomarino
Classification: Uncertain significance for Tip-toe gait. Last evaluated: 2020-11-12. Review status: criteria provided, single submitter. Criteria: ACMG Guidelines, 2015. Collection method: clinical testing. Allele origin: unknown. Affected: yes.
Comment: Myopathy refers to diseases that affect skeletal Muscles. These diseases attack muscle fibers, making muscles weak. Inherited myopathies are often caused by inheriting an abnormal gene mutation from a parent that causes the disease. Symptoms of congenital myopathies usually start at birth or in early childhood, but may not appear until the teen years or even later in adulthood. Congenital myopathies are somewhat unique compared with other inherited myopathies, as weakness typically affects all muscles and is often not progressive. Symptoms are: Muscle weakness, most commonly of upper arms and shoulders and thighs, muscle cramps, stiffness and spasms, fatigue with exertion and lack of energy. Our patients all walk on tiptoe, so they show similar symptoms. When we genetically test them with our toe walking panel, we find that around 90 per cent of them have a genetic variant that explains their toe walking. These can be assigned, for example, to the area of myopathies (such as variants of the COL6A3 gene), the area of hereditary neuropathies (such as variants of the KMT2C gene) or the area of metabolic diseases (such as variants of the PYGM gene). In a smaller group of patients with almost identical symptoms, no abnormality is found in the genes of our panel, but spastic paraplegia can be detected. In another small group of our toe walkers, no abnormalities can be detected in the genes analysed in our toe walking panel, nor do they suffer from spastic paraplegia, as is also the case with healthy children. In contrast to these, however, they show a tiptoe gait. These patients suffer from infantile cerebral palsy, in which toe walking can also be observed.

Ambry Genetics
Classification: Likely benign for Cardiovascular phenotype. Last evaluated: 2019-07-15. Review status: criteria provided, single submitter. Criteria: Ambry Variant Classification Scheme 2023. Collection method: clinical testing. Allele origin: germline.

Eurofins Ntd Llc (ga)
Classification: Uncertain significance. Last evaluated: 2018-02-27. Review status: criteria provided, single submitter. Criteria: EGL ClinVar v180209 classification definitions. Collection method: clinical testing. Allele origin: germline. Observed: 2 variant alleles, 2 heterozygotes.

Labcorp Genetics (formerly Invitae), Labcorp
Classification: Uncertain significance for Dilated cardiomyopathy 1G; Autosomal recessive limb-girdle muscular dystrophy type 2J. Last evaluated: 2017-08-29. Review status: criteria provided, single submitter. Criteria: Invitae Variant Classification Sherloc (09022015). Collection method: clinical testing. Allele origin: germline.

GeneDx
Classification: Uncertain significance. Last evaluated: 2015-04-02. Review status: criteria provided, single submitter. Criteria: GeneDx Variant Classification (06012015). Collection method: clinical testing. Allele origin: germline. Affected: yes.
Comment: Missense variants in the TTN gene are considered 'unclassified' if they are not previously reported in the literature and do not have >1% frequency in the population to be considered a polymorphism. Research indicates that truncating mutations in the TTN gene are expected to account for approximately 25% of familial and 18% of sporadic idiopathic DCM; however, truncating variants in the TTN gene have been reported in approximately 3% of reported control alleles. There has been little investigation into non-truncating variants. (Herman D et al. Truncations of titin causing dilated cardiomyopathy. N Eng J Med 366:619-628, 2012) The variant is found in DCM-CRDM panel(s).

Biesecker Lab/Clinical Genomics Section, National Institutes of Health
Classification: Uncertain significance. Last evaluated: 2013-06-24. Review status: criteria provided, single submitter. Criteria: Ng et al. (Circ Cardiovasc Genet. 2013). Collection method: research. Allele origin: unknown. Observed: 1 variant allele. Study: ClinSeq.
Comment: The study set was not selected for affection status in relation to any cancer. Pathogenicity categories were based on literature curation. See Pubmed ID:23861362 for details.

Medical sequencing

Literature cited by the submitters: PubMed 37091313 (cited by Practice for Gait Abnormalities, David Pomarino, Competency Network Toe Walking C/o Practice Pomarino); PubMed 23861362 (cited by Ambry Genetics); PubMed 28045975 (cited by Ambry Genetics).

NM_001267550.2(TTN):c.105128G>A (p.Arg35043His)

Genes: TTN-AS1 (TTN antisense RNA 1; plus strand), TTN (titin; minus strand). Cytogenetic location: 2q31.2.
Variant type: single nucleotide variant.
Coding change: c.105128G>A on transcript NM_001267550.2 (MANE Select); coding-DNA position 105128, G replaced by A.
Protein change: p.Arg35043His; replaces arginine 35043 with histidine.
Molecular consequence: missense variant.
Genome position (GRCh38, 1-based): chr2:178,531,487, C>T on the plus strand (G>A on the coding strand, the complement: TTN is on the minus strand). VCF-style: chr2-178531487-C-T. GRCh37 (hg19) VCF-style: chr2-179396214-C-T.
Other names: p.R33402H:CGC>CAC; c.100205G>A, p.Arg33402His (NM_001256850.1); c.77933G>A, p.Arg25978His (NM_003319.4); c.97424G>A, p.Arg32475His (NM_133378.4); c.78308G>A, p.Arg26103His (NM_133432.3); c.78509G>A, p.Arg26170His (NM_133437.4); short protein forms R32475H, R35043H, R33402H, R25978H, R26103H, R26170H.
Identifiers: ClinVar variation 191812 (VCV000191812.20), dbSNP rs370137295, ClinGen allele CA302383.